The following is an entry in ClinVar:

ClinVar aggregate classification (germline): Conflicting classifications of pathogenicity. Review status: criteria provided, conflicting classifications (1 of 4 stars). 3 submissions from 3 submitters: Likely pathogenic (1); Uncertain significance (2). Last evaluated 2025-11-12.

Conditions:
RYR1-related disorder. Also called: RYR1-related disorders; RYR1-related condition. Identifiers: MedGen CN239331.
Malignant hyperthermia, susceptibility to, 1 (MHS1). Also called: Anesthesia related hyperthermia; Malignant hyperpyrexia; Fulminating hyperpyrexia; Pharmacogenic myopathy; RYR1-Related Malignant Hyperthermia Susceptibility; Malignant hyperthermia suceptibility 1. Identifiers: Orphanet 423, MedGen C2930980, MONDO:0007783, OMIM 145600.

gnomAD v4.1: 11 of 1,614,130 alleles (0.00068%); highest among the groups gnomAD compares: Non-Finnish European, 0.00085%; no homozygotes.

Submissions (3):

Labcorp Genetics (formerly Invitae), Labcorp
Classification: Likely pathogenic for RYR1-related disorder. Last evaluated: 2025-11-12. Review status: criteria provided, single submitter. Criteria: Invitae Variant Classification Sherloc (09022015). Collection method: clinical testing. Allele origin: germline.
Comment: This sequence change replaces valine, which is neutral and non-polar, with leucine, which is neutral and non-polar, at codon 2168 of the RYR1 protein (p.Val2168Leu). This variant is not present in population databases (gnomAD no frequency). This variant has not been reported in the literature in individuals affected with RYR1-related conditions. ClinVar contains an entry for this variant (Variation ID: 2146721). Invitae Evidence Modeling of protein sequence and biophysical properties (such as structural, functional, and spatial information, amino acid conservation, physicochemical variation, residue mobility, and thermodynamic stability) has been performed for this missense variant. However, the output from this modeling did not meet the statistical confidence thresholds required to predict the impact of this variant on RYR1 protein function. This variant disrupts the p.Val2168 amino acid residue in RYR1. Other variant(s) that disrupt this residue have been determined to be pathogenic (PMID: 9497245, 11668625, 19648156, 25466363). This suggests that this residue is clinically significant, and that variants that disrupt this residue are likely to be disease-causing. In summary, the currently available evidence indicates that the variant is pathogenic, but additional data are needed to prove that conclusively. Therefore, this variant has been classified as Likely Pathogenic.

All of Us Research Program, National Institutes of Health
Classification: Uncertain significance for Malignant hyperthermia, susceptibility to, 1. Last evaluated: 2023-12-18. Review status: criteria provided, single submitter. Criteria: ACMG Guidelines, 2015. Collection method: clinical testing. Allele origin: germline. Inheritance: Autosomal dominant inheritance. Observed: 1 variant allele, 1 heterozygote.
Comment: This missense variant replaces valine with leucine at codon 2168 of the RYR1 protein. Computational prediction is inconclusive regarding the impact of this variant on protein structure and function (internally defined REVEL score threshold 0.6 < inconclusive < 0.85, PMID: 27666373). This variant occurs in the N-terminal region (a.a. 2101 - 2458) of the RYR1 protein that is considered to be a hotspot for pathogenic variants that contribute to malignant hyperthermia susceptibility (PMID: 21118704). To our knowledge, functional studies have not been reported for this variant. This variant has not been reported in individuals affected with RYR1-related disorders in the literature. This variant has not been identified in the general population by the Genome Aggregation Database (gnomAD). A different missense variant occurring at the same codon, p.Val2168Met, is reported to cause disease (ClinVar variation ID: 12976), indicating that glycine at this position is important for RYR1 protein function. The available evidence is insufficient to determine the role of this variant in disease conclusively. Therefore, this variant is classified as a Variant of Uncertain Significance.

This study involves interpretation of variants in research participants for the purpose of population health screening. Participant phenotype was not available at the time of variant classification. Additional details can be found in publication PMID: 35346344, PMCID: PMC8962531

Color Diagnostics, LLC DBA Color Health
Classification: Uncertain significance for Malignant hyperthermia, susceptibility to, 1. Last evaluated: 2023-11-30. Review status: criteria provided, single submitter. Criteria: ACMG Guidelines, 2015. Collection method: clinical testing. Allele origin: germline.
Comment: This missense variant replaces valine with leucine at codon 2168 of the RYR1 protein. Computational prediction is inconclusive regarding the impact of this variant on protein structure and function. This variant occurs in the N-terminal region (a.a. 2101 - 2458) of the RYR1 protein that is considered to be a hotspot for pathogenic variants that contribute to malignant hyperthermia susceptibility (PMID: 21118704). To our knowledge, functional studies have not been reported for this variant. This variant has not been reported in individuals affected with RYR1-related disorders in the literature. This variant has not been identified in the general population by the Genome Aggregation Database (gnomAD). A different missense variant occurring at the same codon, p.Val2168Met, is reported to cause disease (ClinVar variation ID: 12976), indicating that glycine at this position is important for RYR1 protein function. The available evidence is insufficient to determine the role of this variant in disease conclusively. Therefore, this variant is classified as a Variant of Uncertain Significance.

Literature cited by the submitters: PubMed 9497245 (cited by Labcorp Genetics (formerly Invitae), Labcorp); PubMed 11668625 (cited by Labcorp Genetics (formerly Invitae), Labcorp); PubMed 19648156 (cited by Labcorp Genetics (formerly Invitae), Labcorp); PubMed 25466363 (cited by Labcorp Genetics (formerly Invitae), Labcorp); PubMed 21118704 (cited by All of Us Research Program, National Institutes of Health and Color Diagnostics, LLC DBA Color Health).

NM_000540.3(RYR1):c.6502G>C (p.Val2168Leu)

Gene: RYR1 (ryanodine receptor 1; plus strand). Cytogenetic location: 19q13.2.
Variant type: single nucleotide variant.
Coding change: c.6502G>C on transcript NM_000540.3 (MANE Select); coding-DNA position 6502, G replaced by C.
Protein change: p.Val2168Leu; replaces valine 2168 with leucine.
Molecular consequence: missense variant.
Genome position (GRCh38, 1-based): chr19:38,494,579, G>C. VCF-style: chr19-38494579-G-C. GRCh37 (hg19) VCF-style: chr19-38985219-G-C.
Other names: c.6502G>C, p.Val2168Leu (NM_001042723.2); short protein forms V2168L.
Identifiers: ClinVar variation 2146721 (VCV002146721.5), dbSNP rs118192176, ClinGen allele CA405664337.